The following is an entry in ClinVar:

ClinVar aggregate classification (germline): Uncertain significance. Review status: criteria provided, multiple submitters, no conflicts (2 of 4 stars). 2 submissions from 2 submitters: Uncertain significance (2). Last evaluated 2025-05-13.

Conditions:
Inborn genetic diseases. Identifiers: MedGen C0950123, MeSH D030342.

gnomAD v4.1: 1 of 1,614,196 alleles (0.000062%); highest among the groups gnomAD compares: Non-Finnish European, 0.000085%; no homozygotes.

Submissions (2):

Ambry Genetics
Classification: Uncertain significance for Inborn genetic diseases. Last evaluated: 2025-05-13. Review status: criteria provided, single submitter. Criteria: Ambry Variant Classification Scheme 2023. Collection method: clinical testing. Allele origin: germline.

GeneDx
Classification: Uncertain significance. Last evaluated: 2024-09-10. Review status: criteria provided, single submitter. Criteria: GeneDx Variant Classification Process June 2021. Collection method: clinical testing. Allele origin: germline. Affected: yes.
Comment: Not observed at significant frequency in large population cohorts (gnomAD); In silico analysis supports that this missense variant has a deleterious effect on protein structure/function; Has not been previously published as pathogenic or benign to our knowledge

NM_000141.5(FGFR2):c.2324C>T (p.Pro775Leu)

Gene: FGFR2 (fibroblast growth factor receptor 2; minus strand). Cytogenetic location: 10q26.13.
Variant type: single nucleotide variant.
Coding change: c.2324C>T on transcript NM_000141.5 (MANE Select); coding-DNA position 2324, C replaced by T.
Protein change: p.Pro775Leu; replaces proline 775 with leucine.
Molecular consequence: missense variant. On other transcripts: non-coding transcript variant (1), intron variant (1).
Genome position (GRCh38, 1-based): chr10:121,479,999, G>A on the plus strand (C>T on the coding strand, the complement: FGFR2 is on the minus strand). VCF-style: chr10-121479999-G-A. GRCh37 (hg19) VCF-style: chr10-123239513-G-A.
Other names: c.1988C>T, p.Pro663Leu (NM_001144914.1); c.1979C>T, p.Pro660Leu (NM_001144916.2); c.1976C>T, p.Pro659Leu (NM_001144917.2); c.1973C>T, p.Pro658Leu (NM_001144918.2); c.1640C>T, p.Pro547Leu (NM_001320654.2); c.2318C>T, p.Pro773Leu (NM_001320658.2); c.2327C>T, p.Pro776Leu (NM_022970.4); c.2057C>T, p.Pro686Leu (NM_023029.3); and 1 more; short protein forms P547L, P658L, P659L, P660L, P663L, P686L, P773L, P775L.
Identifiers: ClinVar variation 3767824 (VCV003767824.2).